The following is an entry in ClinVar:

NM_001267550.2(TTN):c.12117del (p.Cys4040fs)

Gene: TTN (titin; minus strand). Cytogenetic location: 2q31.2.
Variant type: Deletion.
Coding change: c.12117del on transcript NM_001267550.2 (MANE Select); coding-DNA position 12117, one base deleted (C; older notation c.12117delC).
Protein change: p.Cys4040fs; shifts the reading frame from cysteine 4040.
Molecular consequence: frameshift variant. On other transcripts: intron variant (1).
Genome position (GRCh38, 1-based): chr2:178,741,116, G deleted on the plus strand (C on the coding strand, the reverse complement: TTN is on the minus strand); the first of 5 consecutive G bases (chr2:178,741,116-178,741,120); deleting any one gives the same sequence. VCF-style (leftmost placement, unchanged base first): chr2-178741115-AG-A. GRCh37 (hg19) VCF-style: chr2-179605842-AG-A.
Other names: c.11166del, p.Cys3723fs (NM_001256850.1); c.11028del, p.Cys3677fs (NM_003319.4); c.11403del, p.Cys3802fs (NM_133432.3); c.11604del, p.Cys3869fs (NM_133437.4); c.10361-2756del (NM_133378.4); short protein forms C4040fs, C3677fs, C3723fs, C3802fs, C3869fs.
Identifiers: ClinVar variation 1345607 (VCV001345607.8), dbSNP rs1560918374, ClinGen allele CA538437886.

ClinVar aggregate classification (germline): Likely pathogenic (1 of 4 stars; one submission).

Conditions:
Dilated cardiomyopathy 1G (CMD1G). Identifiers: Orphanet 154, MedGen C1858763, MONDO:0011400, OMIM 604145.
Autosomal recessive limb-girdle muscular dystrophy type 2J (LGMDR10). Also called: Limb-girdle muscular dystrophy, type 2J; MUSCULAR DYSTROPHY, LIMB-GIRDLE, AUTOSOMAL RECESSIVE 10. Identifiers: Orphanet 140922, MedGen C1837342, MONDO:0012127, OMIM 608807.

Submission:

Labcorp Genetics (formerly Invitae), Labcorp
Classification: Likely pathogenic for Dilated cardiomyopathy 1G; Autosomal recessive limb-girdle muscular dystrophy type 2J. Last evaluated: 2024-10-18. Review status: criteria provided, single submitter. Criteria: Invitae Variant Classification Sherloc (09022015). Collection method: clinical testing. Allele origin: germline.
Comment: This sequence change creates a premature translational stop signal (p.Cys4040Alafs*18) in the TTN gene. While this is not anticipated to result in nonsense mediated decay, it is expected to create a truncated TTN protein. This variant is present in population databases (no rsID available, gnomAD 0.003%). This variant has not been reported in the literature in individuals affected with TTN-related conditions. ClinVar contains an entry for this variant (Variation ID: 1345607). This variant is located in the I band of TTN (PMID: 25589632). Truncating variants in this region have been reported in individuals affected with autosomal recessive centronuclear myopathy (PMID: 23975875, internal data). Truncating variants in this region have also been identified in individuals affected with autosomal dominant dilated cardiomyopathy and/or cardio-related conditions (PMID: 27869827, 32964742, internal data). In summary, the currently available evidence indicates that the variant is pathogenic, but additional data are needed to prove that conclusively. Therefore, this variant has been classified as Likely Pathogenic.

Literature cited by the submitters: PubMed 25589632; PubMed 23975875; PubMed 27869827; PubMed 32964742.